The following is an entry in ClinVar:

ClinVar aggregate classification (germline): Likely benign. Review status: criteria provided, single submitter (1 of 4 stars). 2 submissions from 2 submitters: Likely benign (1). 1 of the submissions does not count toward it. Last evaluated 2025-10-27.

Conditions:
DDHD2-related disorder. Also called: DDHD2-related condition.
Hereditary spastic paraplegia 54. Also called: Spastic paraplegia 54, autosomal recessive. Identifiers: Orphanet 320380, MedGen C3539495, MONDO:0014018, OMIM 615033.

Allele frequency attached by ClinVar (database versions not stated): gnomAD exomes below 0.00001; gnomAD 0.00001; TOPMed 0.00001.
gnomAD v4.1: 20 of 1,614,020 alleles (0.0012%); highest among the groups gnomAD compares: East Asian, 0.0067%; no homozygotes.

Submissions (2):

Labcorp Genetics (formerly Invitae), Labcorp
Classification: Likely benign for Hereditary spastic paraplegia 54. Last evaluated: 2025-10-27. Review status: criteria provided, single submitter. Criteria: Invitae Variant Classification Sherloc (09022015). Collection method: clinical testing. Allele origin: germline.

PreventionGenetics, part of Exact Sciences
Classification: Likely benign for DDHD2-related condition. Last evaluated: 2019-02-20. Review status: no assertion criteria provided. Collection method: clinical testing. Allele origin: germline. Not counted in ClinVar's aggregate classification.
Comment: This variant is classified as likely benign based on ACMG/AMP sequence variant interpretation guidelines (Richards et al. 2015 PMID: 25741868, with internal and published modifications).

NM_015214.3(DDHD2):c.1923T>G (p.Val641=)

Gene: DDHD2 (DDHD domain containing 2; plus strand). Cytogenetic location: 8p11.23.
Variant type: single nucleotide variant.
Coding change: c.1923T>G on transcript NM_015214.3 (MANE Select); coding-DNA position 1923, T replaced by G.
Protein change: p.Val641=; no amino-acid change (valine 641 retained).
Molecular consequence: synonymous variant. On other transcripts: non-coding transcript variant (2).
Genome position (GRCh38, 1-based): chr8:38,253,587, T>G. VCF-style: chr8-38253587-T-G. GRCh37 (hg19) VCF-style: chr8-38111105-T-G.
Other names: c.1923T>G, p.Val641= (NM_001164232.2, NM_001362911.2, NM_001362912.2 and 1 more transcripts); c.1833T>G, p.Val611= (NM_001362913.2).
Identifiers: ClinVar variation 703116 (VCV000703116.9), dbSNP rs958442410, ClinGen allele CA175077515.